The following is an entry in ClinVar:

ClinVar aggregate classification (germline): Conflicting classifications of pathogenicity. Review status: criteria provided, conflicting classifications (1 of 4 stars). 2 submissions from 2 submitters: Likely pathogenic (1); Uncertain significance (1). Last evaluated 2025-04-09.

Conditions:
ABCC2-related disorder. Also called: ABCC2-related condition.

Allele frequency attached by ClinVar (database versions not stated): gnomAD exomes below 0.00001.

Submissions (2):

PreventionGenetics, part of Exact Sciences
Classification: Likely pathogenic for ABCC2-related condition. Last evaluated: 2025-04-09. Review status: criteria provided, single submitter. Criteria: ACMG Guidelines, 2015. Collection method: clinical testing. Allele origin: germline.
Comment: The ABCC2 c.3258+2dupT variant is predicted to result in an intronic duplication. This variant was reported in an individual with low HDL cholesterol (Motazacker et al. 2013. PubMed ID: 23685560). This variant is predicted to alter splicing based on available splicing prediction programs (SpliceAI, Jaganathan et al. 2019. PubMed ID: 30661751). However, the use of computer prediction programs is not equivalent to functional evidence. This variant is reported in 0.0029% of alleles in individuals of Latino descent in gnomAD. This variant is interpreted as likely pathogenic.

Labcorp Genetics (formerly Invitae), Labcorp
Classification: Uncertain significance. Last evaluated: 2023-07-20. Review status: criteria provided, single submitter. Criteria: Invitae Variant Classification Sherloc (09022015). Collection method: clinical testing. Allele origin: germline.
Comment: This sequence change falls in intron 23 of the ABCC2 gene. It does not directly change the encoded amino acid sequence of the ABCC2 protein. It affects a nucleotide within the consensus splice site. This variant is present in population databases (no rsID available, gnomAD 0.003%). This variant has not been reported in the literature in individuals affected with ABCC2-related conditions. Variants that disrupt the consensus splice site are a relatively common cause of aberrant splicing (PMID: 17576681, 9536098). Algorithms developed to predict the effect of sequence changes on RNA splicing suggest that this variant may disrupt the consensus splice site. In summary, the available evidence is currently insufficient to determine the role of this variant in disease. Therefore, it has been classified as a Variant of Uncertain Significance.

Literature cited by the submitters: PubMed 17576681 (cited by Labcorp Genetics (formerly Invitae), Labcorp); PubMed 9536098 (cited by Labcorp Genetics (formerly Invitae), Labcorp).

NM_000392.5(ABCC2):c.3258+2dup

Gene: ABCC2 (ATP binding cassette subfamily C member 2; plus strand). Cytogenetic location: 10q24.2.
Variant type: Duplication.
Coding change: c.3258+2dup on transcript NM_000392.5 (MANE Select); the canonical splice donor site of the intron after coding-DNA position 3258, one base duplicated (T; older notation c.3258+2dupT).
Molecular consequence: splice donor variant.
Genome position (GRCh38, 1-based): chr10:99,832,133, T duplicated. VCF-style (leftmost placement, unchanged base first): chr10-99832132-G-GT. GRCh37 (hg19) VCF-style: chr10-101591889-G-GT.
Other names: c.3258+2dupT (NM_000392.4).
Identifiers: ClinVar variation 2735468 (VCV002735468.4), dbSNP rs1564695910, ClinGen allele CA595452307.